The following is an entry in ClinVar:

NM_006070.6(TFG):c.580+6T>C

Gene: TFG (trafficking from ER to golgi regulator; plus strand). Cytogenetic location: 3q12.2.
Variant type: single nucleotide variant.
Coding change: c.580+6T>C on transcript NM_006070.6 (MANE Select); 6 bases into the intron after coding-DNA position 580, T replaced by C.
Molecular consequence: intron variant.
Genome position (GRCh38, 1-based): chr3:100,732,678, T>C. VCF-style: chr3-100732678-T-C. GRCh37 (hg19) VCF-style: chr3-100451522-T-C.
Other names: c.580+6T>C (NM_001007565.2, NM_001195479.2, NM_001195478.2).
Identifiers: ClinVar variation 998737 (VCV000998737.6), dbSNP rs372196251, ClinGen allele CA2517112.

ClinVar aggregate classification (germline): Uncertain significance (1 of 4 stars; one submission).

Conditions:
Hereditary spastic paraplegia 57. Also called: Spastic paraplegia 57, autosomal recessive. Identifiers: Orphanet 431329, MedGen C3714897, MONDO:0014295, OMIM 615658.
Hereditary motor and sensory neuropathy, Okinawa type (HMSNO). Also called: HEREDITARY MOTOR AND SENSORY NEUROPATHY, PROXIMAL TYPE. Identifiers: Orphanet 90117, MedGen C1858338, MONDO:0011468, OMIM 604484.

Allele frequency attached by ClinVar (database versions not stated): gnomAD 0.00001 and 0.00002; TOPMed 0.00001; ExAC 0.00002; gnomAD exomes 0.00003; ESP Exome Variant Server 0.00008.
gnomAD v4.1: 50 of 1,606,872 alleles (0.0031%); highest among the groups gnomAD compares: South Asian, 0.0067%; no homozygotes.

Submission:

Labcorp Genetics (formerly Invitae), Labcorp
Classification: Uncertain significance for Hereditary motor and sensory neuropathy, Okinawa type; Hereditary spastic paraplegia 57. Last evaluated: 2022-08-15. Review status: criteria provided, single submitter. Criteria: Invitae Variant Classification Sherloc (09022015). Collection method: clinical testing. Allele origin: germline.
Comment: This variant is present in population databases (rs372196251, gnomAD 0.007%). This sequence change falls in intron 5 of the TFG gene. It does not directly change the encoded amino acid sequence of the TFG protein. It affects a nucleotide within the consensus splice site. This variant has not been reported in the literature in individuals affected with TFG-related conditions. ClinVar contains an entry for this variant (Variation ID: 998737). Variants that disrupt the consensus splice site are a relatively common cause of aberrant splicing (PMID: 17576681, 9536098). Algorithms developed to predict the effect of sequence changes on RNA splicing suggest that this variant is not likely to affect RNA splicing. In summary, the available evidence is currently insufficient to determine the role of this variant in disease. Therefore, it has been classified as a Variant of Uncertain Significance.

Literature cited by the submitters: PubMed 17576681; PubMed 9536098.